The following is an entry in ClinVar:

NM_000059.4(BRCA2):c.1563del (p.Gly522fs)

Gene: BRCA2 (BRCA2 DNA repair associated; plus strand). Cytogenetic location: 13q13.1.
Variant type: Deletion.
Coding change: c.1563del on transcript NM_000059.4 (MANE Select); coding-DNA position 1563, one base deleted (A; older notation c.1563delA).
Protein change: p.Gly522fs; shifts the reading frame from glycine 522.
Molecular consequence: frameshift variant. On other transcripts: non-coding transcript variant (1), intron variant (1).
Genome position (GRCh38, 1-based): chr13:32,333,041, A deleted. VCF-style (leftmost placement, unchanged base first): chr13-32333040-CA-C. GRCh37 (hg19) VCF-style: chr13-32907177-CA-C.
Other names: c.1563del, p.Gly522fs (NM_001406719.1, NM_001406720.1, NM_001406721.1); c.424+2011del (NM_001406722.1); short protein forms G522fs.
Identifiers: ClinVar variation 2857839 (VCV002857839.3), dbSNP rs2548520525, ClinGen allele CA2739277585.
Genomic context (GRCh38, chr13:32,333,040, plus strand): 5'-TCAAAAAGTCTATATTCAGAATAAGAGAATCACCTAAAGAGACTTTCAATGCAAGTTTTT[CA>C]GGTCATATGACTGATCCAAACTTTAAAAAAGAAACTGAAGCCTCTGAAAGTGGACTGGAA-3'

ClinVar aggregate classification (germline): Pathogenic (1 of 4 stars; one submission).

Conditions:
Hereditary breast ovarian cancer syndrome. Also called: Hereditary breast and ovarian cancer syndrome (HBOC); Hereditary breast and ovarian cancer syndrome; Hereditary breast and/or ovarian cancer syndrome; Hereditary breast and ovarian cancer; Breast and ovarian cancer; BRCA1- and BRCA2-Associated Hereditary Breast and Ovarian Cancer. Identifiers: Orphanet 145, MedGen C0677776, MeSH D061325, MONDO:0003582. Disease mechanism: loss of function.

Submission:

Labcorp Genetics (formerly Invitae), Labcorp
Classification: Pathogenic for Hereditary breast ovarian cancer syndrome. Last evaluated: 2023-04-20. Review status: criteria provided, single submitter. Criteria: Invitae Variant Classification Sherloc (09022015). Collection method: clinical testing. Allele origin: germline.
Comment: For these reasons, this variant has been classified as Pathogenic. This variant has not been reported in the literature in individuals affected with BRCA2-related conditions. This variant is not present in population databases (gnomAD no frequency). This sequence change creates a premature translational stop signal (p.Gly522Valfs*3) in the BRCA2 gene. It is expected to result in an absent or disrupted protein product. Loss-of-function variants in BRCA2 are known to be pathogenic (PMID: 20104584).

Literature cited by the submitters: PubMed 20104584.